The following is an entry in ClinVar:

NM_000020.3(ACVRL1):c.619T>G (p.Cys207Gly)

Gene: ACVRL1 (activin A receptor like type 1; plus strand). Cytogenetic location: 12q13.13.
Variant type: single nucleotide variant.
Coding change: c.619T>G on transcript NM_000020.3 (MANE Select); coding-DNA position 619, T replaced by G.
Protein change: p.Cys207Gly; replaces cysteine 207 with glycine.
Molecular consequence: missense variant.
Genome position (GRCh38, 1-based): chr12:51,914,067, T>G. VCF-style: chr12-51914067-T-G. GRCh37 (hg19) VCF-style: chr12-52307851-T-G.
Other names: c.619T>G, p.Cys207Gly (NM_001077401.2, NM_001406487.1, NM_001406488.1 and 1 more transcripts); short protein forms C207G.
Identifiers: ClinVar variation 2012095 (VCV002012095.4), dbSNP rs2139068965, ClinGen allele CA384899913.
Genomic context (GRCh38, chr12:51,914,067, plus strand): 5'-GGCTCAGGGCTCCCCTTCCTGGTGCAGAGGACAGTGGCACGGCAGGTTGCCTTGGTGGAG[T>G]GTGTGGGTGAGCAGTGGGTGAGCCCGGTGGATGAGGACCAAGGGCTCTCATGAGCCTGGA-3'
Protein context (NP_000011.2, residues 197-217): TVARQVALVE[Cys207Gly]VGKGRYGEVW

ClinVar aggregate classification (germline): Pathogenic (1 of 4 stars; one submission).

Conditions:
Telangiectasia, hereditary hemorrhagic, type 2 (HHT2). Also called: ACVRL1-Related Hereditary Hemorrhagic Telangiectasia; Telangiectasia, hereditary hemorrhagic, type II. Identifiers: Orphanet 774, MedGen C1838163, MONDO:0010880, OMIM 600376. Disease mechanism: loss of function.

Submission:

Labcorp Genetics (formerly Invitae), Labcorp
Classification: Pathogenic for Telangiectasia, hereditary hemorrhagic, type 2. Last evaluated: 2024-04-13. Review status: criteria provided, single submitter. Criteria: Invitae Variant Classification Sherloc (09022015). Collection method: clinical testing. Allele origin: germline.
Comment: This sequence change replaces cysteine, which is neutral and slightly polar, with glycine, which is neutral and non-polar, at codon 207 of the ACVRL1 protein (p.Cys207Gly). This variant is not present in population databases (gnomAD no frequency). This missense change has been observed in individual(s) with clinical features of hereditary hemorrhagic telangiectasia (Invitae). It has also been observed to segregate with disease in related individuals. ClinVar contains an entry for this variant (Variation ID: 2012095). Advanced modeling of protein sequence and biophysical properties (such as structural, functional, and spatial information, amino acid conservation, physicochemical variation, residue mobility, and thermodynamic stability) performed at Invitae indicates that this missense variant is expected to disrupt ACVRL1 protein function with a positive predictive value of 95%. Algorithms developed to predict the effect of sequence changes on RNA splicing suggest that this variant may disrupt the consensus splice site. For these reasons, this variant has been classified as Pathogenic.